The following is an entry in ClinVar:

NM_000379.4(XDH):c.2858T>G (p.Leu953Arg)

Gene: XDH (xanthine dehydrogenase; minus strand). Cytogenetic location: 2p23.1.
Variant type: single nucleotide variant.
Coding change: c.2858T>G on transcript NM_000379.4 (MANE Select); coding-DNA position 2858, T replaced by G.
Protein change: p.Leu953Arg; replaces leucine 953 with arginine.
Molecular consequence: missense variant.
Genome position (GRCh38, 1-based): chr2:31,349,797, A>C on the plus strand (T>G on the coding strand, the complement: XDH is on the minus strand). VCF-style: chr2-31349797-A-C. GRCh37 (hg19) VCF-style: chr2-31572663-A-C.
Other names: short protein forms L953R.
Identifiers: ClinVar variation 1408334 (VCV001408334.8), dbSNP rs137975977, ClinGen allele CA44723235.

ClinVar aggregate classification (germline): Uncertain significance. Review status: criteria provided, multiple submitters, no conflicts (2 of 4 stars). 2 submissions from 2 submitters: Uncertain significance (2). Last evaluated 2024-03-27.

Conditions:
Xanthinuria type II. Also called: Xanthine dehydrogenase and aldehyde oxidase combined deficiency of; XDH and AOX dual deficiency. Identifiers: Orphanet 3467, Orphanet 93602, MedGen C1863688, MONDO:0011346, OMIM 603592.
Hereditary xanthinuria type 1 (XAN1). Identifiers: Orphanet 3467, Orphanet 93601, MedGen C0268118, MONDO:0010209, OMIM 278300.

Allele frequency attached by ClinVar (database versions not stated): gnomAD exomes below 0.00001 and 0.00001; gnomAD 0.00001; TOPMed 0.00002; ESP Exome Variant Server 0.00008.
gnomAD v4.1: 3 of 1,614,046 alleles (0.00019%); highest among the groups gnomAD compares: African/African-American, 0.004%; no homozygotes.

Submissions (2):

Fulgent Genetics
Classification: Uncertain significance for Hereditary xanthinuria type 1. Last evaluated: 2024-03-27. Review status: criteria provided, single submitter. Criteria: ACMG Guidelines, 2015. Collection method: clinical testing. Allele origin: germline.

Labcorp Genetics (formerly Invitae), Labcorp
Classification: Uncertain significance for Xanthinuria type II. Last evaluated: 2021-01-19. Review status: criteria provided, single submitter. Criteria: Invitae Variant Classification Sherloc (09022015). Collection method: clinical testing. Allele origin: germline.
Comment: This variant has not been reported in the literature in individuals with XDH-related conditions. This variant is not present in population databases (ExAC no frequency). This sequence change replaces leucine with arginine at codon 953 of the XDH protein (p.Leu953Arg). The leucine residue is moderately conserved and there is a moderate physicochemical difference between leucine and arginine. In summary, the available evidence is currently insufficient to determine the role of this variant in disease. Therefore, it has been classified as a Variant of Uncertain Significance. Algorithms developed to predict the effect of missense changes on protein structure and function (SIFT, PolyPhen-2, Align-GVGD) all suggest that this variant is likely to be tolerated, but these predictions have not been confirmed by published functional studies and their clinical significance is uncertain.